The following is an entry in ClinVar:

NM_001378454.1(ALMS1):c.134del (p.Glu45fs)

Gene: ALMS1 (ALMS1 centrosome and basal body associated protein; plus strand). Cytogenetic location: 2p13.1.
Variant type: Deletion.
Coding change: c.134del on transcript NM_001378454.1 (MANE Select); coding-DNA position 134, one base deleted (A; older notation c.134delA).
Protein change: p.Glu45fs; shifts the reading frame from glutamic acid 45.
Molecular consequence: frameshift variant.
Genome position (GRCh38, 1-based): chr2:73,386,002, A deleted. VCF-style (leftmost placement, unchanged base first): chr2-73386001-GA-G. GRCh37 (hg19) VCF-style: chr2-73613129-GA-G.
Other names: c.137del, p.Glu46fs (NM_015120.4); short protein forms E45fs, E46fs.
Identifiers: ClinVar variation 3723391 (VCV003723391.2).

ClinVar aggregate classification (germline): Pathogenic (1 of 4 stars; one submission).

Conditions:
Alstrom syndrome (ALMS). Identifiers: Orphanet 64, MedGen C0268425, MONDO:0008763, OMIM 203800.

Submission:

Labcorp Genetics (formerly Invitae), Labcorp
Classification: Pathogenic for Alstrom syndrome. Last evaluated: 2024-10-21. Review status: criteria provided, single submitter. Criteria: Invitae Variant Classification Sherloc (09022015). Collection method: clinical testing. Allele origin: germline.
Comment: This sequence change creates a premature translational stop signal (p.Glu46Glyfs*24) in the ALMS1 gene. It is expected to result in an absent or disrupted protein product. Loss-of-function variants in ALMS1 are known to be pathogenic (PMID: 17594715). This variant is not present in population databases (gnomAD no frequency). This variant has not been reported in the literature in individuals affected with ALMS1-related conditions. For these reasons, this variant has been classified as Pathogenic.

Literature cited by the submitters: PubMed 17594715.